The following is an entry in ClinVar:

NM_006904.7(PRKDC):c.4049A>C (p.Asn1350Thr)

Gene: PRKDC (protein kinase, DNA-activated, catalytic subunit; minus strand). Cytogenetic location: 8q11.21.
Variant type: single nucleotide variant.
Coding change: c.4049A>C on transcript NM_006904.7 (MANE Select); coding-DNA position 4049, A replaced by C.
Protein change: p.Asn1350Thr; replaces asparagine 1350 with threonine.
Molecular consequence: missense variant.
Genome position (GRCh38, 1-based): chr8:47,890,279, T>G on the plus strand (A>C on the coding strand, the complement: PRKDC is on the minus strand). VCF-style: chr8-47890279-T-G. GRCh37 (hg19) VCF-style: chr8-48802840-T-G.
Other names: c.4049A>C, p.Asn1350Thr (NM_001081640.2); short protein forms N1350T.
Identifiers: ClinVar variation 1370711 (VCV001370711.6), dbSNP rs2154501848, ClinGen allele CA371148300.

ClinVar aggregate classification (germline): Uncertain significance (1 of 4 stars; one submission).

Conditions:
Severe combined immunodeficiency due to DNA-PKcs deficiency. Also called: IMMUNODEFICIENCY 26 WITH NEUROLOGIC ABNORMALITIES; Immunodeficiency 26 with or without neurologic abnormalities. Identifiers: Orphanet 317425, MedGen C4014833, MONDO:0014423, OMIM 615966.

Submission:

Labcorp Genetics (formerly Invitae), Labcorp
Classification: Uncertain significance for Severe combined immunodeficiency due to DNA-PKcs deficiency. Last evaluated: 2022-08-16. Review status: criteria provided, single submitter. Criteria: Invitae Variant Classification Sherloc (09022015). Collection method: clinical testing. Allele origin: germline.
Comment: Experimental studies and prediction algorithms are not available or were not evaluated, and the functional significance of this variant is currently unknown. ClinVar contains an entry for this variant (Variation ID: 1370711). This variant has not been reported in the literature in individuals affected with PRKDC-related conditions. This variant is not present in population databases (gnomAD no frequency). This sequence change replaces asparagine, which is neutral and polar, with threonine, which is neutral and polar, at codon 1350 of the PRKDC protein (p.Asn1350Thr). In summary, the available evidence is currently insufficient to determine the role of this variant in disease. Therefore, it has been classified as a Variant of Uncertain Significance.